The following is an entry in ClinVar:

ClinVar aggregate classification (germline): Pathogenic (1 of 4 stars; one submission).

Submission:

CeGaT Center for Human Genetics Tuebingen
Classification: Pathogenic. Last evaluated: 2026-05-01. Review status: criteria provided, single submitter. Criteria: CeGaT Center For Human Genetics Tuebingen Variant Classification Criteria Version 2. Collection method: clinical testing. Allele origin: germline. Affected: yes. Observed: 1 variant allele.
Comment: NF1: PVS1, PM2, PS1:Supporting, PS4:Supporting

NM_001042492.3(NF1):c.3974+2T>A

Gene: NF1 (neurofibromin 1; plus strand). Cytogenetic location: 17q11.2.
Variant type: single nucleotide variant.
Coding change: c.3974+2T>A on transcript NM_001042492.3 (MANE Select); the canonical splice donor site of the intron after coding-DNA position 3974, T replaced by A.
Molecular consequence: splice donor variant.
Genome position (GRCh38, 1-based): chr17:31,236,023, T>A. VCF-style: chr17-31236023-T-A. GRCh37 (hg19) VCF-style: chr17-29563041-T-A.
Other names: c.3974+2T>A (NM_000267.4).
Identifiers: ClinVar variation 4874129 (VCV004874129.2).